The following is an entry in ClinVar:

ClinVar aggregate classification (germline): Benign/Likely benign. Review status: criteria provided, multiple submitters, no conflicts (2 of 4 stars). 15 submissions from 11 submitters: Benign (12); Likely benign (1). 2 of the submissions do not count toward it. Last evaluated 2026-02-01.

Conditions:
Hereditary spherocytosis type 3. Also called: Spherocytosis type 3; SPTA1-Related Spherocytosis. Identifiers: Orphanet 822, MedGen C2678338, MONDO:0010053, OMIM 270970.
Elliptocytosis 2 (EL2). Also called: ELLIPTOCYTOSIS, RHESUS-UNLINKED TYPE. Identifiers: Orphanet 288, MedGen C1851741, MONDO:0007533, OMIM 130600.
Pyropoikilocytosis, hereditary. Also called: Pyropoikilocytosis. Identifiers: MedGen C0520739, MONDO:0009948, OMIM 266140, HP:0004839. Disease mechanism: loss of function.

Allele frequency attached by ClinVar (database versions not stated): 1000 Genomes Project 30x 0.50141; 1000 Genomes Project 0.50479; ESP Exome Variant Server 0.50948; TOPMed 0.51465; gnomAD 0.52093 and 0.52153; ExAC 0.53849; gnomAD exomes 0.54174.
gnomAD v4.1: 874,250 of 1,613,310 alleles (54%); highest among the groups gnomAD compares: East Asian, 60%; 238,993 homozygotes.

Submissions (15):

Labcorp Genetics (formerly Invitae), Labcorp
Classification: Benign. Last evaluated: 2026-02-01. Review status: criteria provided, single submitter. Criteria: Invitae Variant Classification Sherloc (09022015). Collection method: clinical testing. Allele origin: germline.

ARUP Laboratories, Molecular Genetics and Genomics, ARUP Laboratories
Classification: Benign. Last evaluated: 2025-07-31. Review status: criteria provided, single submitter. Criteria: ARUP Molecular Germline Variant Investigation Process 2024. Collection method: clinical testing. Allele origin: germline.

Blueprint Genetics
Classification: Likely benign. Last evaluated: 2024-11-26. Review status: criteria provided, single submitter. Criteria: ACMG Guidelines, 2015. Collection method: clinical testing. Allele origin: germline.

Genome-Nilou Lab
Classification: Benign for Pyropoikilocytosis, hereditary. Last evaluated: 2021-07-15. Review status: criteria provided, single submitter. Criteria: ACMG Guidelines, 2015. Collection method: clinical testing. Allele origin: germline. Affected: no.

Genome-Nilou Lab
Classification: Benign for Hereditary spherocytosis type 3. Last evaluated: 2021-07-15. Review status: criteria provided, single submitter. Criteria: ACMG Guidelines, 2015. Collection method: clinical testing. Allele origin: germline. Affected: no.

Genome-Nilou Lab
Classification: Benign for Elliptocytosis 2. Last evaluated: 2021-07-15. Review status: criteria provided, single submitter. Criteria: ACMG Guidelines, 2015. Collection method: clinical testing. Allele origin: germline. Affected: no.

GeneDx
Classification: Benign. Last evaluated: 2018-11-12. Review status: criteria provided, single submitter. Criteria: GeneDx Variant Classification Process June 2021. Collection method: clinical testing. Allele origin: germline. Affected: yes.

Illumina Laboratory Services, Illumina
Classification: Benign for Elliptocytosis 2. Last evaluated: 2018-01-13. Review status: criteria provided, single submitter. Criteria: ICSL Variant Classification Criteria 13 December 2019. Collection method: clinical testing. Allele origin: germline.
Comment: This variant was observed in the ICSL laboratory as part of a predisposition screen in an ostensibly healthy population. It had not been previously curated by ICSL or reported in the Human Gene Mutation Database (HGMD: prior to June 1st, 2018), and was therefore a candidate for classification through an automated scoring system. Utilizing variant allele frequency, disease prevalence and penetrance estimates, and inheritance mode, an automated score was calculated to assess if this variant is too frequent to cause the disease. Based on the score and internal cut-off values, a variant classified as benign is not then subjected to further curation. The score for this variant resulted in a classification of benign for this disease.

Illumina Laboratory Services, Illumina
Classification: Benign for Hereditary spherocytosis type 3. Last evaluated: 2018-01-13. Review status: criteria provided, single submitter. Criteria: ICSL Variant Classification Criteria 13 December 2019. Collection method: clinical testing. Allele origin: germline.
Comment: the same text as in the submission from Illumina Laboratory Services, Illumina above.

Illumina Laboratory Services, Illumina
Classification: Benign for Pyropoikilocytosis, hereditary. Last evaluated: 2018-01-13. Review status: criteria provided, single submitter. Criteria: ICSL Variant Classification Criteria 13 December 2019. Collection method: clinical testing. Allele origin: germline.
Comment: the same text as in the submission from Illumina Laboratory Services, Illumina above.

Mayo Clinic Laboratories, Mayo Clinic
Classification: Benign. Last evaluated: 2016-04-15. Review status: criteria provided, single submitter. Criteria: ACMG Guidelines, 2015. Collection method: clinical testing. Allele origin: germline. Observed: 1,832 variant alleles.

Breakthrough Genomics
Classification: Benign. Review status: criteria provided, single submitter. Criteria: ACMG Guidelines, 2015. Collection method: not provided. Allele origin: germline. Inheritance: Autosomal recessive inheritance. Affected: yes.

PreventionGenetics, part of Exact Sciences
Classification: Benign. Review status: criteria provided, single submitter. Criteria: ACMG Guidelines, 2015. Collection method: clinical testing. Allele origin: germline.

Diagnostic Laboratory, Department of Genetics, University Medical Center Groningen
Classification: Benign. Review status: no assertion criteria provided. Collection method: clinical testing. Allele origin: germline. Affected: yes. Study: VKGL Data-share Consensus. Not counted in ClinVar's aggregate classification.

Genome Diagnostics Laboratory, University Medical Center Utrecht
Classification: Benign. Review status: no assertion criteria provided. Collection method: clinical testing. Allele origin: germline. Affected: yes. Study: VKGL Data-share Consensus. Not counted in ClinVar's aggregate classification.

NM_003126.4(SPTA1):c.7095A>G (p.Ala2365=)

Gene: SPTA1 (spectrin alpha, erythrocytic 1; minus strand). Cytogenetic location: 1q23.1.
Variant type: single nucleotide variant.
Coding change: c.7095A>G on transcript NM_003126.4 (MANE Select); coding-DNA position 7095, A replaced by G.
Protein change: p.Ala2365=; no amino-acid change (alanine 2365 retained).
Molecular consequence: synonymous variant.
Genome position (GRCh38, 1-based): chr1:158,612,856, T>C on the plus strand (A>G on the coding strand, the complement: SPTA1 is on the minus strand). VCF-style: chr1-158612856-T-C. GRCh37 (hg19) VCF-style: chr1-158582646-T-C.
Other names: p.Ala2365=.
Identifiers: ClinVar variation 258958 (VCV000258958.37), dbSNP rs2251969, ClinGen allele CA1181731.